The following is an entry in ClinVar:

NM_001077350.3(NPRL3):c.767+6T>C

Genes: HBA-LCR (alpha-globin locus control region; plus strand), NPRL3 (NPR3 like, GATOR1 complex subunit; minus strand). Cytogenetic location: 16p13.3.
Variant type: single nucleotide variant.
Coding change: c.767+6T>C on transcript NM_001077350.3 (MANE Select); 6 bases into the intron after coding-DNA position 767, T replaced by C.
Molecular consequence: intron variant.
Genome position (GRCh38, 1-based): chr16:100,366, A>G on the plus strand (T>C on the coding strand, the complement: NPRL3 is on the minus strand). VCF-style: chr16-100366-A-G. GRCh37 (hg19) VCF-style: chr16-150364-A-G.
Other names: c.533+6T>C (NM_001243247.2); c.692+6T>C (NM_001243248.2, NM_001243249.2); c.230+6T>C (NM_001039476.3).
Identifiers: ClinVar variation 863252 (VCV000863252.7), dbSNP rs745822946, ClinGen allele CA7769559.

ClinVar aggregate classification (germline): Uncertain significance (1 of 4 stars; one submission).

Conditions:
Epilepsy, familial focal, with variable foci 3 (FFEVF3). Identifiers: MedGen C4310708, MONDO:0014925, OMIM 617118.

Allele frequency attached by ClinVar (database versions not stated): ExAC 0.00002; gnomAD exomes 0.00002 and 0.00003; TOPMed 0.00002.
gnomAD v4.1: 23 of 1,525,228 alleles (0.0015%); highest among the groups gnomAD compares: Admixed American, 0.0043%; no homozygotes.

Submission:

Labcorp Genetics (formerly Invitae), Labcorp
Classification: Uncertain significance for Epilepsy, familial focal, with variable foci 3. Last evaluated: 2025-12-08. Review status: criteria provided, single submitter. Criteria: Invitae Variant Classification Sherloc (09022015). Collection method: clinical testing. Allele origin: germline.
Comment: This sequence change falls in intron 8 of the NPRL3 gene. It does not directly change the encoded amino acid sequence of the NPRL3 protein. It affects a nucleotide within the consensus splice site. This variant is present in population databases (rs745822946, gnomAD 0.005%). This variant has not been reported in the literature in individuals affected with NPRL3-related conditions. ClinVar contains an entry for this variant (Variation ID: 863252). Variants that disrupt the consensus splice site are a relatively common cause of aberrant splicing (PMID: 17576681, 9536098). Algorithms developed to predict the effect of sequence changes on RNA splicing suggest that this variant is not likely to affect RNA splicing. In summary, the available evidence is currently insufficient to determine the role of this variant in disease. Therefore, it has been classified as a Variant of Uncertain Significance.

Literature cited by the submitters: PubMed 17576681; PubMed 9536098.